The following is an entry in ClinVar:

ClinVar aggregate classification (germline): Uncertain significance (1 of 4 stars; one submission).

Allele frequency attached by ClinVar (database versions not stated): gnomAD exomes below 0.00001.
gnomAD v4.1: 1 of 1,610,174 alleles (0.000062%); highest among the groups gnomAD compares: South Asian, 0.0011%; no homozygotes.

Submission:

Labcorp Genetics (formerly Invitae), Labcorp
Classification: Uncertain significance. Last evaluated: 2022-11-22. Review status: criteria provided, single submitter. Criteria: Invitae Variant Classification Sherloc (09022015). Collection method: clinical testing. Allele origin: germline.
Comment: The frequency data for this variant in the population databases is considered unreliable, as metrics indicate poor data quality at this position in the gnomAD database. This sequence change creates a premature translational stop signal (p.Arg42*) in the KCNJ13 gene. It is expected to result in an absent or disrupted protein product. However, the current clinical and genetic evidence is not sufficient to establish whether loss-of-function variants in KCNJ13 cause disease. This variant has not been reported in the literature in individuals affected with KCNJ13-related conditions. ClinVar contains an entry for this variant (Variation ID: 1354351). Algorithms developed to predict the effect of sequence changes on RNA splicing suggest that this variant may create or strengthen a splice site. In summary, the available evidence is currently insufficient to determine the role of this variant in disease. Therefore, it has been classified as a Variant of Uncertain Significance.

NM_002242.4(KCNJ13):c.124C>T (p.Arg42Ter)

Genes: KCNJ13 (potassium inwardly rectifying channel subfamily J member 13; minus strand), GIGYF2 (GRB10 interacting GYF protein 2; plus strand). Cytogenetic location: 2q37.1.
Variant type: single nucleotide variant.
Coding change: c.124C>T on transcript NM_002242.4 (MANE Select); coding-DNA position 124, C replaced by T.
Protein change: p.Arg42Ter; replaces arginine 42 with a stop codon.
Molecular consequence: nonsense. On other transcripts: intron variant (5).
Genome position (GRCh38, 1-based): chr2:232,771,239, G>A on the plus strand (C>T on the coding strand, the complement: KCNJ13 is on the minus strand). VCF-style: chr2-232771239-G-A. GRCh37 (hg19) VCF-style: chr2-233635949-G-A.
Other names: c.124C>T, p.Arg42Ter (NM_001172416.1); c.532+9803G>A (NM_001103146.3, NM_015575.4, NM_001103148.2); c.533-5173G>A (NM_001103147.2); c.-23-94C>T (NM_001172417.1); short protein forms R42*.
Identifiers: ClinVar variation 1354351 (VCV001354351.6), dbSNP rs200415013, ClinGen allele CA66989354.
Genomic context (GRCh38, chr2:232,771,239, plus strand): 5'-CAGAAAAGACCAACATCATCCAACGCCAGCGCATGTCCATTAGGATTCCCCAAGCATCTC[G>A]AAGATATGCAAGACCTCTTTGAGCGCCATCCATTTGAAGTGTGCTGTGGCCATCCTTGGT-3'